The following is an entry in ClinVar:

ClinVar aggregate classification (germline): Uncertain significance. Review status: criteria provided, multiple submitters, no conflicts (2 of 4 stars). 6 submissions from 6 submitters: Uncertain significance (6). Last evaluated 2025-04-21.

Conditions:
Hereditary cancer-predisposing syndrome. Also called: Hereditary Cancer Syndrome; Hereditary neoplastic syndrome; Tumor predisposition; Neoplastic Syndromes, Hereditary. Identifiers: Orphanet 140162, MedGen C0027672, MeSH D009386, MONDO:0015356.
Peutz-Jeghers syndrome (PJS). Also called: POLYPOSIS, HAMARTOMATOUS INTESTINAL; POLYPS-AND-SPOTS SYNDROME; Peutz-Jeghers polyposis; Periorificial lentiginosis syndrome. Identifiers: Orphanet 2869, MedGen C0031269, MeSH D010580, MONDO:0008280, OMIM 175200.

Allele frequency attached by ClinVar (database versions not stated): gnomAD 0.00001; TOPMed 0.00001.
gnomAD v4.1: 8 of 1,594,036 alleles (0.0005%); highest among the groups gnomAD compares: South Asian, 0.0068%; no homozygotes.

Submissions (6):

Ambry Genetics
Classification: Uncertain significance for Hereditary cancer-predisposing syndrome. Last evaluated: 2025-04-21. Review status: criteria provided, single submitter. Criteria: Ambry Variant Classification Scheme 2023. Collection method: clinical testing. Allele origin: germline.
Comment: The p.A406S variant (also known as c.1216G>T), located in coding exon 9 of the STK11 gene, results from a G to T substitution at nucleotide position 1216. The alanine at codon 406 is replaced by serine, an amino acid with similar properties. This amino acid position is not well conserved in available vertebrate species. In addition, this alteration is predicted to be tolerated by in silico analysis. Based on the available evidence, the clinical significance of this variant remains unclear.

Labcorp Genetics (formerly Invitae), Labcorp
Classification: Uncertain significance for Peutz-Jeghers syndrome. Last evaluated: 2025-02-03. Review status: criteria provided, single submitter. Criteria: Invitae Variant Classification Sherloc (09022015). Collection method: clinical testing. Allele origin: germline.
Comment: This sequence change replaces alanine, which is neutral and non-polar, with serine, which is neutral and polar, at codon 406 of the STK11 protein (p.Ala406Ser). This variant is present in population databases (no rsID available, gnomAD 0.004%). This variant has not been reported in the literature in individuals affected with STK11-related conditions. ClinVar contains an entry for this variant (Variation ID: 458023). Invitae Evidence Modeling of protein sequence and biophysical properties (such as structural, functional, and spatial information, amino acid conservation, physicochemical variation, residue mobility, and thermodynamic stability) indicates that this missense variant is not expected to disrupt STK11 protein function with a negative predictive value of 95%. In summary, the available evidence is currently insufficient to determine the role of this variant in disease. Therefore, it has been classified as a Variant of Uncertain Significance.

All of Us Research Program, National Institutes of Health
Classification: Uncertain significance for Peutz-Jeghers syndrome. Last evaluated: 2024-07-29. Review status: criteria provided, single submitter. Criteria: ACMG Guidelines, 2015. Collection method: clinical testing. Allele origin: germline. Inheritance: Autosomal dominant inheritance. Observed: 3 variant alleles, 3 heterozygotes.
Comment: This missense variant replaces alanine with serine at codon 406 of the STK11 protein. Computational prediction suggests that this variant may not impact protein structure and function (internally defined REVEL score threshold <= 0.5, PMID: 27666373). To our knowledge, functional studies have not been reported for this variant. This variant has not been reported in individuals affected with STK11-related disorders in the literature. This variant has been identified in 2/239290 chromosomes in the general population by the Genome Aggregation Database (gnomAD). The available evidence is insufficient to determine the role of this variant in disease conclusively. Therefore, this variant is classified as a Variant of Uncertain Significance.

This study involves interpretation of variants in research participants for the purpose of population health screening. Participant phenotype was not available at the time of variant classification. Additional details can be found in publication PMID: 35346344, PMCID: PMC8962531

Color Diagnostics, LLC DBA Color Health
Classification: Uncertain significance for Hereditary cancer-predisposing syndrome. Last evaluated: 2024-03-06. Review status: criteria provided, single submitter. Criteria: ACMG Guidelines, 2015. Collection method: clinical testing. Allele origin: germline.
Comment: This missense variant replaces alanine with serine at codon 406 of the STK11 protein. Computational prediction suggests that this variant may not impact protein structure and function (internally defined REVEL score threshold <= 0.5, PMID: 27666373). To our knowledge, functional studies have not been reported for this variant. This variant has not been reported in individuals affected with STK11-related disorders in the literature. This variant has been identified in 2/239290 chromosomes in the general population by the Genome Aggregation Database (gnomAD). The available evidence is insufficient to determine the role of this variant in disease conclusively. Therefore, this variant is classified as a Variant of Uncertain Significance.

Neuberg Centre For Genomic Medicine, NCGM
Classification: Uncertain significance for Peutz-Jeghers syndrome. Last evaluated: 2023-06-22. Review status: criteria provided, single submitter. Criteria: ACMG Guidelines, 2015. Collection method: clinical testing. Allele origin: germline. Inheritance: Autosomal dominant inheritance. Affected: yes.
Comment: The observed missense c.1216G>T(p.Ala406Ser) variant in STK11 gene has not been reported previously as a pathogenic variant nor as a benign variant, to our knowledge. This variant is reported with the allele frequency of 0.0005% in the gnomAD Exomes. This variant has been reported to the ClinVar database as Uncertain Significance (multiple submissions). However, no details are available for independent assessment. The amino acid Ala at position 406 is changed to a Ser changing protein sequence and it might alter its composition and physico-chemical properties. The amino acid change p.Ala406Ser in STK11 is predicted as conserved by GERP++ and PhyloP across 100 vertebrates. Computational evidence (Polyphen - Benign, SIFT - Tolerated, and MutationTaster - Polymorphism) predicts conflicting evidence on protein structure and function for this variant. For these reasons, this variant has been classified as Uncertain Significance.

Genome-Nilou Lab
Classification: Uncertain significance for Peutz-Jeghers syndrome. Last evaluated: 2021-07-15. Review status: criteria provided, single submitter. Criteria: ACMG Guidelines, 2015. Collection method: clinical testing. Allele origin: germline. Affected: no.

NM_000455.5(STK11):c.1216G>T (p.Ala406Ser)

Gene: STK11 (serine/threonine kinase 11; plus strand). Cytogenetic location: 19p13.3.
Variant type: single nucleotide variant.
Coding change: c.1216G>T on transcript NM_000455.5 (MANE Select); coding-DNA position 1216, G replaced by T.
Protein change: p.Ala406Ser; replaces alanine 406 with serine.
Molecular consequence: missense variant.
Genome position (GRCh38, 1-based): chr19:1,226,561, G>T. VCF-style: chr19-1226561-G-T. GRCh37 (hg19) VCF-style: chr19-1226560-G-T.
Other names: short protein forms A406S.
Identifiers: ClinVar variation 458023 (VCV000458023.23), dbSNP rs1330230723, ClinGen allele CA402953788.
Genomic context (GRCh38, chr19:1,226,561, plus strand): 5'-CTCCCCAAGGCCGTGTGTATGAACGGCACAGAGGCGGCGCAGCTGAGCACCAAATCCAGG[G>T]CGGAGGGCCGGGCCCCCAACCCTGCCCGCAAGGCCTGCTCCGCCAGCAGCAAGATCCGCC-3'
Protein context (NP_000446.1, residues 396-416): EAAQLSTKSR[Ala406Ser]EGRAPNPARK